The following is an entry in ClinVar:

ClinVar aggregate classification (germline): Uncertain significance. Review status: criteria provided, multiple submitters, no conflicts (2 of 4 stars). 2 submissions from 2 submitters: Uncertain significance (2). Last evaluated 2026-09-08.

Conditions:
Familial cancer of breast. Also called: BREAST CANCER, FAMILIAL; hereditary breast carcinoma; Hereditary breast cancer. Identifiers: Orphanet 227535, MedGen C0346153, MONDO:0016419, OMIM 114480. Disease mechanism: loss of function.
Hereditary cancer-predisposing syndrome. Also called: Hereditary neoplastic syndrome; Hereditary Cancer Syndrome; Neoplastic Syndromes, Hereditary; Tumor predisposition. Identifiers: Orphanet 140162, MedGen C0027672, MeSH D009386, MONDO:0015356.

Submissions (2):

Ambry Genetics
Classification: Uncertain significance for Hereditary cancer-predisposing syndrome. Last evaluated: 2026-09-08. Review status: criteria provided, single submitter. Criteria: Ambry Variant Classification Scheme 2023. Collection method: clinical testing. Allele origin: germline.
Comment: The p.S1179Y variant (also known as c.3536C>A), located in coding exon 23 of the ATM gene, results from a C to A substitution at nucleotide position 3536. The serine at codon 1179 is replaced by tyrosine, an amino acid with dissimilar properties. In an assay testing ATM function, this variant showed a functionally normal result (Lee KS et al. Cell, 2025 Sep;188:5081-5099.e27). This amino acid position is highly conserved in available vertebrate species. In addition, the in silico prediction for this alteration is inconclusive. Based on the available evidence, the clinical significance of this variant remains unclear.

Baylor Genetics
Classification: Uncertain significance for Familial cancer of breast. Last evaluated: 2023-10-30. Review status: criteria provided, single submitter. Criteria: ACMG Guidelines, 2015. Collection method: clinical testing. Allele origin: unknown.

Literature cited by the submitters: PubMed 40580951 (cited by Ambry Genetics).

NM_000051.4(ATM):c.3536C>A (p.Ser1179Tyr)

Gene: ATM (ATM serine/threonine kinase; plus strand). Cytogenetic location: 11q22.3.
Variant type: single nucleotide variant.
Coding change: c.3536C>A on transcript NM_000051.4 (MANE Select); coding-DNA position 3536, C replaced by A.
Protein change: p.Ser1179Tyr; replaces serine 1179 with tyrosine.
Molecular consequence: missense variant.
Genome position (GRCh38, 1-based): chr11:108,281,128, C>A. VCF-style: chr11-108281128-C-A. GRCh37 (hg19) VCF-style: chr11-108151855-C-A.
Other names: c.3536C>A, p.Ser1179Tyr (NM_001351834.2); short protein forms S1179Y.
Identifiers: ClinVar variation 2679152 (VCV002679152.2), dbSNP rs2135669511, ClinGen allele CA382520230.